The following is an entry in ClinVar:

NM_005982.4(SIX1):c.34G>A (p.Glu12Lys)

Gene: SIX1 (SIX homeobox 1; minus strand). Cytogenetic location: 14q23.1.
Variant type: single nucleotide variant.
Coding change: c.34G>A on transcript NM_005982.4 (MANE Select); coding-DNA position 34, G replaced by A.
Protein change: p.Glu12Lys; replaces glutamic acid 12 with lysine.
Molecular consequence: missense variant.
Genome position (GRCh38, 1-based): chr14:60,649,156, C>T on the plus strand (G>A on the coding strand, the complement: SIX1 is on the minus strand). VCF-style: chr14-60649156-C-T. GRCh37 (hg19) VCF-style: chr14-61115874-C-T.
Other names: short protein forms E12K.
Identifiers: ClinVar variation 2499891 (VCV002499891.1), dbSNP rs1167753630, ClinGen allele CA389911189.

ClinVar aggregate classification (germline): Uncertain significance (1 of 4 stars; one submission).

Allele frequency attached by ClinVar (database versions not stated): gnomAD exomes below 0.00001.
gnomAD v4.1: 1 of 1,611,752 alleles (0.000062%); highest among the groups gnomAD compares: Admixed American, 0.0017%; no homozygotes.

Submission:

GeneDx
Classification: Uncertain significance. Last evaluated: 2022-10-18. Review status: criteria provided, single submitter. Criteria: GeneDx Variant Classification Process June 2021. Collection method: clinical testing. Allele origin: germline. Affected: yes.
Comment: Not observed at significant frequency in large population cohorts (gnomAD); In silico analysis supports that this missense variant has a deleterious effect on protein structure/function; Has not been previously published as pathogenic or benign to our knowledge